The following is an entry in ClinVar:

NM_000443.4(ABCB4):c.3838T>A (p.Ter1280Arg)

Gene: ABCB4 (ATP binding cassette subfamily B member 4; minus strand). Cytogenetic location: 7q21.12.
Variant type: single nucleotide variant.
Coding change: c.3838T>A on transcript NM_000443.4 (MANE Select); coding-DNA position 3838, T replaced by A.
Protein change: p.Ter1280Arg.
Molecular consequence: stop lost.
Genome position (GRCh38, 1-based): chr7:87,402,098, A>T on the plus strand (T>A on the coding strand, the complement: ABCB4 is on the minus strand). VCF-style: chr7-87402098-A-T. GRCh37 (hg19) VCF-style: chr7-87031414-A-T.
Other names: c.3859T>A, p.Ter1287Arg (NM_018849.3); c.3697T>A, p.Ter1233Arg (NM_018850.3).
Identifiers: ClinVar variation 3064147 (VCV003064147.3), dbSNP rs754770911, ClinGen allele CA368056241.

ClinVar aggregate classification (germline): Likely pathogenic. Review status: criteria provided, multiple submitters, no conflicts (2 of 4 stars). 2 submissions from 2 submitters: Likely pathogenic (2). Last evaluated 2026-04-14.

Conditions:
Cholestasis, intrahepatic, of pregnancy, 3. Identifiers: Orphanet 69665, MedGen C3554241, MONDO:0013995, OMIM 614972.
Familial intrahepatic cholestasis. Identifiers: Orphanet 284385, MedGen CN296401, MONDO:0017290.

Submissions (2):

Genomenon, Inc
Classification: Likely pathogenic for Familial intrahepatic cholestasis. Last evaluated: 2026-04-14. Review status: criteria provided, single submitter. Criteria: Genomenon Sequence Variant Interpretation Standards - Updated. Collection method: curation. Allele origin: germline. Affected: yes.
Comment: ABCB4 p.Ter1280ArgextTer19 (c.3838T>A) is a stop-loss variant that results in a C-terminal protein extension. This variant has been observed in at least one proband with an ABCB4-related disorder (PMID:39132680;34961929;31000363). The variant was found to segregate with disease in at least one affected family (PMID:39132680). It is absent or not present at a significant frequency in gnomAD. In conclusion, we classify ABCB4 p.Ter1280ArgextTer19 (c.3838T>C) as a likely pathogenic variant.

Genomic Medicine Center of Excellence, King Faisal Specialist Hospital and Research Centre
Classification: Likely pathogenic for Cholestasis, intrahepatic, of pregnancy, 3. Last evaluated: 2024-03-17. Review status: criteria provided, single submitter. Criteria: ACMG Guidelines, 2015. Collection method: research. Allele origin: germline.

Literature cited by the submitters: PubMed 39132680 (cited by Genomenon, Inc); PubMed 34961929 (cited by Genomenon, Inc); PubMed 31000363 (cited by Genomenon, Inc).